The following is an entry in ClinVar:

ClinVar aggregate classification (germline): Uncertain significance (1 of 4 stars; one submission).

Allele frequency attached by ClinVar (database versions not stated): gnomAD exomes below 0.00001.
gnomAD v4.1: 1 of 1,565,866 alleles (0.000064%); highest among the groups gnomAD compares: Non-Finnish European, 0.000086%; no homozygotes.

Submission:

Labcorp Genetics (formerly Invitae), Labcorp
Classification: Uncertain significance. Last evaluated: 2022-05-18. Review status: criteria provided, single submitter. Criteria: Invitae Variant Classification Sherloc (09022015). Collection method: clinical testing. Allele origin: germline.
Comment: Algorithms developed to predict the effect of missense changes on protein structure and function (SIFT, PolyPhen-2, Align-GVGD) all suggest that this variant is likely to be tolerated. This sequence change replaces valine, which is neutral and non-polar, with glycine, which is neutral and non-polar, at codon 2245 of the APC2 protein (p.Val2245Gly). This variant is present in population databases (no rsID available, gnomAD 0.001%). This variant has not been reported in the literature in individuals affected with APC2-related conditions. In summary, the available evidence is currently insufficient to determine the role of this variant in disease. Therefore, it has been classified as a Variant of Uncertain Significance.

NM_005883.3(APC2):c.6734T>G (p.Val2245Gly)

Gene: APC2 (APC regulator of Wnt signaling pathway 2; plus strand). Cytogenetic location: 19p13.3.
Variant type: single nucleotide variant.
Coding change: c.6734T>G on transcript NM_005883.3 (MANE Select); coding-DNA position 6734, T replaced by G.
Protein change: p.Val2245Gly; replaces valine 2245 with glycine.
Molecular consequence: missense variant.
Genome position (GRCh38, 1-based): chr19:1,470,035, T>G. VCF-style: chr19-1470035-T-G. GRCh37 (hg19) VCF-style: chr19-1470034-T-G.
Other names: c.6731T>G, p.Val2244Gly (NM_001351273.1); short protein forms V2244G, V2245G.
Identifiers: ClinVar variation 2062380 (VCV002062380.4), dbSNP rs1420809529, ClinGen allele CA403044506.
Genomic context (GRCh38, chr19:1,470,035, plus strand): 5'-TCCTCGGCAGCGACGTGGACGGTCCCAGCCTCGCCAAGGCTCCCATCTCCGCACCCTTCG[T>G]GCACGAGGGCCTGGGGGTCGCCGTGGGGGGCTTCCCCGCCAGCCGGCACGGCTCCCCCAG-3'
Protein context (NP_005874.1, residues 2235-2255): LAKAPISAPF[Val2245Gly]HEGLGVAVGG